The following is an entry in ClinVar:

ClinVar aggregate classification (germline): Uncertain significance (1 of 4 stars; one submission).

Conditions:
Hereditary pheochromocytoma and paraganglioma. Also called: Hereditary pheochromocytoma-paraganglioma; Hereditary Paraganglioma-Pheochromocytoma Syndromes; Hereditary paragangliomas and pheochromocytomas. Identifiers: Orphanet 29072, MedGen C4274332, MONDO:0017366.

Submission:

Labcorp Genetics (formerly Invitae), Labcorp
Classification: Uncertain significance for Hereditary pheochromocytoma and paraganglioma. Last evaluated: 2025-06-19. Review status: criteria provided, single submitter. Criteria: Invitae Variant Classification Sherloc (09022015). Collection method: clinical testing. Allele origin: germline.
Comment: This sequence change replaces aspartic acid, which is acidic and polar, with glutamic acid, which is acidic and polar, at codon 82 of the TMEM127 protein (p.Asp82Glu). This variant is not present in population databases (gnomAD no frequency). This variant has not been reported in the literature in individuals affected with TMEM127-related conditions. An algorithm developed to predict the effect of missense changes on protein structure and function (PolyPhen-2) suggests that this variant is likely to be tolerated. In summary, the available evidence is currently insufficient to determine the role of this variant in disease. Therefore, it has been classified as a Variant of Uncertain Significance.

NM_017849.4(TMEM127):c.246T>G (p.Asp82Glu)

Gene: TMEM127 (transmembrane protein 127; minus strand). Cytogenetic location: 2q11.2.
Variant type: single nucleotide variant.
Coding change: c.246T>G on transcript NM_017849.4 (MANE Select); coding-DNA position 246, T replaced by G.
Protein change: p.Asp82Glu; replaces aspartic acid 82 with glutamic acid.
Molecular consequence: missense variant. On other transcripts: 5 prime UTR variant (2).
Genome position (GRCh38, 1-based): chr2:96,254,996, A>C on the plus strand (T>G on the coding strand, the complement: TMEM127 is on the minus strand). VCF-style: chr2-96254996-A-C. GRCh37 (hg19) VCF-style: chr2-96920734-A-C.
Other names: c.246T>G, p.Asp82Glu (NM_001193304.3); c.-7T>G (NM_001407282.1, NM_001407283.1); short protein forms D82E.
Identifiers: ClinVar variation 4714643 (VCV004714643.1).